The following is an entry in ClinVar:

NM_001127208.3(TET2):c.3804-2A>C

Genes: TET2 (tet methylcytosine dioxygenase 2; plus strand), TET2-AS1 (TET2 antisense RNA 1; minus strand). Cytogenetic location: 4q24.
Variant type: single nucleotide variant.
Coding change: c.3804-2A>C on transcript NM_001127208.3 (MANE Select); the canonical splice acceptor site of the intron before coding-DNA position 3804, A replaced by C.
Molecular consequence: splice acceptor variant.
Genome position (GRCh38, 1-based): chr4:105,259,617, A>C. VCF-style: chr4-105259617-A-C. GRCh37 (hg19) VCF-style: chr4-106180774-A-C.
Identifiers: ClinVar variation 1686651 (VCV001686651.3), dbSNP rs576934285, ClinGen allele CA357806781.

ClinVar aggregate classification (germline): Likely pathogenic (0 of 4 stars; one submission).

Conditions:
Myelodysplastic syndrome (MDS). Also called: MYELODYSPLASTIC SYNDROME, SUSCEPTIBILITY TO; Myelodysplastic syndrome, somatic; Myelodysplastic syndromes. Identifiers: Orphanet 52688, MedGen C3463824, MeSH D009190, MONDO:0018881, OMIM 614286.

Submission:

Molecular Genetics, Sadra Medical Genetics Laboratory
Classification: Likely pathogenic for Myelodysplastic syndrome. Last evaluated: 2022-05-15. Review status: no assertion criteria provided. Collection method: clinical testing. Allele origin: germline. Inheritance: Autosomal dominant inheritance. Affected: yes. Observed: 1 heterozygote.
Comment: Genetics Counseling was performed for a large pedigree with several affected cases by different familial cancers (death below 50 Years old). The patients previously affected with any types of familial cancers also expired, so, there were no options to do segregation study for the affected members. However, the c.3804-2A>C variant meets our criteria to be classified as likely pathogenic based upon segregation studies, and absence from controls at least for Myelodysplastic syndrome (negative cisplatin).